The following is an entry in ClinVar:

ClinVar aggregate classification (germline): Uncertain significance. Review status: criteria provided, multiple submitters, no conflicts (2 of 4 stars). 2 submissions from 2 submitters: Uncertain significance (2). Last evaluated 2024-01-22.

Conditions:
Inborn genetic diseases. Identifiers: MedGen C0950123, MeSH D030342.
Isolated microphthalmia 5. Also called: Posterior Microphthalmia with Retinitis Pigmentosa, Foveoschisis, and Optic Disc Drusen. Identifiers: Orphanet 251279, MedGen C1970236, MONDO:0012605, OMIM 611040.

Allele frequency attached by ClinVar (database versions not stated): gnomAD exomes below 0.00001; ExAC 0.00001; gnomAD 0.00001; 1000 Genomes Project 30x 0.00016; 1000 Genomes Project 0.00020; TOPMed 0.00001.
gnomAD v4.1: 3 of 1,613,738 alleles (0.00019%); highest among the groups gnomAD compares: East Asian, 0.0067%; no homozygotes.

Submissions (2):

Ambry Genetics
Classification: Uncertain significance for Inborn genetic diseases. Last evaluated: 2024-01-22. Review status: criteria provided, single submitter. Criteria: Ambry Variant Classification Scheme 2023. Collection method: clinical testing. Allele origin: germline.

Labcorp Genetics (formerly Invitae), Labcorp
Classification: Uncertain significance for Isolated microphthalmia 5. Last evaluated: 2021-10-18. Review status: criteria provided, single submitter. Criteria: Invitae Variant Classification Sherloc (09022015). Collection method: clinical testing. Allele origin: germline.
Comment: In summary, the available evidence is currently insufficient to determine the role of this variant in disease. Therefore, it has been classified as a Variant of Uncertain Significance. Algorithms developed to predict the effect of missense changes on protein structure and function output the following: SIFT: "Deleterious"; PolyPhen-2: "Benign"; Align-GVGD: "Class C0". The asparagine amino acid residue is found in multiple mammalian species, which suggests that this missense change does not adversely affect protein function. This variant has not been reported in the literature in individuals affected with MFRP-related conditions. This variant is present in population databases (rs200353330, ExAC 0.01%). This sequence change replaces serine with asparagine at codon 137 of the MFRP protein (p.Ser137Asn). The serine residue is highly conserved and there is a small physicochemical difference between serine and asparagine.

NM_031433.4(MFRP):c.410G>A (p.Ser137Asn)

Genes: C1QTNF5 (C1q and TNF related 5; minus strand), MFRP (membrane frizzled-related protein; minus strand). Cytogenetic location: 11q23.3.
Variant type: single nucleotide variant.
Coding change: c.410G>A on transcript NM_031433.4 (MANE Select); coding-DNA position 410, G replaced by A.
Protein change: p.Ser137Asn; replaces serine 137 with asparagine.
Molecular consequence: missense variant. On other transcripts: 5 prime UTR variant (1).
Genome position (GRCh38, 1-based): chr11:119,345,790, C>T on the plus strand (G>A on the coding strand, the complement: MFRP is on the minus strand). VCF-style: chr11-119345790-C-T. GRCh37 (hg19) VCF-style: chr11-119216500-C-T.
Other names: c.-2227G>A (NM_015645.5); short protein forms S137N.
Identifiers: ClinVar variation 1443384 (VCV001443384.8), dbSNP rs200353330, ClinGen allele CA6320585.